The following is an entry in ClinVar:

NM_000492.4(CFTR):c.2131T>C (p.Phe711Leu)

Gene: CFTR (CF transmembrane conductance regulator; plus strand). Cytogenetic location: 7q31.2.
Variant type: single nucleotide variant.
Coding change: c.2131T>C on transcript NM_000492.4 (MANE Select); coding-DNA position 2131, T replaced by C.
Protein change: p.Phe711Leu; replaces phenylalanine 711 with leucine.
Molecular consequence: missense variant.
Genome position (GRCh38, 1-based): chr7:117,592,298, T>C. VCF-style: chr7-117592298-T-C. GRCh37 (hg19) VCF-style: chr7-117232352-T-C.
Other names: short protein forms F711L.
Identifiers: ClinVar variation 1007213 (VCV001007213.6), dbSNP rs1792042320, ClinGen allele CA368979911.

ClinVar aggregate classification (germline): Uncertain significance (1 of 4 stars; one submission).

Conditions:
Cystic fibrosis (CF). Also called: MUCOVISCIDOSIS. Identifiers: Orphanet 586, MedGen C0010674, MONDO:0009061, OMIM 219700. Disease mechanism: loss of function.

Submission:

Labcorp Genetics (formerly Invitae), Labcorp
Classification: Uncertain significance for Cystic fibrosis. Last evaluated: 2021-08-28. Review status: criteria provided, single submitter. Criteria: Invitae Variant Classification Sherloc (09022015). Collection method: clinical testing. Allele origin: germline.
Comment: This sequence change replaces phenylalanine with leucine at codon 711 of the CFTR protein (p.Phe711Leu). The phenylalanine residue is weakly conserved and there is a small physicochemical difference between phenylalanine and leucine. This variant is not present in population databases (ExAC no frequency). This variant has not been reported in the literature in individuals affected with CFTR-related conditions. Algorithms developed to predict the effect of missense changes on protein structure and function (SIFT, PolyPhen-2, Align-GVGD) all suggest that this variant is likely to be tolerated. In summary, the available evidence is currently insufficient to determine the role of this variant in disease. Therefore, it has been classified as a Variant of Uncertain Significance.